The following is an entry in ClinVar:

ClinVar aggregate classification (germline): Likely benign. Review status: criteria provided, single submitter (1 of 4 stars). 2 submissions from 2 submitters: Likely benign (1). 1 of the submissions does not count toward it. Last evaluated 2023-09-07.

Conditions:
KIDINS220-related disorder. Also called: KIDINS220-related condition.

Allele frequency attached by ClinVar (database versions not stated): gnomAD exomes 0.00001; TOPMed 0.00001; ExAC 0.00002.
gnomAD v4.1: 10 of 1,614,194 alleles (0.00062%); highest among the groups gnomAD compares: African/African-American, 0.0013%; no homozygotes.

Submissions (2):

Labcorp Genetics (formerly Invitae), Labcorp
Classification: Likely benign. Last evaluated: 2023-09-07. Review status: criteria provided, single submitter. Criteria: Invitae Variant Classification Sherloc (09022015). Collection method: clinical testing. Allele origin: germline.

PreventionGenetics, part of Exact Sciences
Classification: Likely benign for KIDINS220-related condition. Last evaluated: 2022-07-05. Review status: no assertion criteria provided. Collection method: clinical testing. Allele origin: germline. Not counted in ClinVar's aggregate classification.
Comment: This variant is classified as likely benign based on ACMG/AMP sequence variant interpretation guidelines (Richards et al. 2015 PMID: 25741868, with internal and published modifications).

NM_020738.4(KIDINS220):c.2301A>G (p.Thr767=)

Gene: KIDINS220 (kinase D interacting substrate 220; minus strand). Cytogenetic location: 2p25.1.
Variant type: single nucleotide variant.
Coding change: c.2301A>G on transcript NM_020738.4 (MANE Select); coding-DNA position 2301, A replaced by G.
Protein change: p.Thr767=; no amino-acid change (threonine 767 retained).
Molecular consequence: synonymous variant. On other transcripts: non-coding transcript variant (2).
Genome position (GRCh38, 1-based): chr2:8,779,743, T>C on the plus strand (A>G on the coding strand, the complement: KIDINS220 is on the minus strand). VCF-style: chr2-8779743-T-C. GRCh37 (hg19) VCF-style: chr2-8919873-T-C.
Other names: c.2301A>G (NM_020738.2); c.2304A>G, p.Thr768= (NM_001348729.2, NM_001348731.2, NM_001348734.2 and 3 more transcripts); c.2301A>G, p.Thr767= (NM_001348732.2, NM_001348735.2, NM_001348738.2 and 3 more transcripts); c.2175A>G, p.Thr725= (NM_001348736.2).
Identifiers: ClinVar variation 2989284 (VCV002989284.5), dbSNP rs773432517, ClinGen allele CA1520011.